The following is an entry in ClinVar:

ClinVar aggregate classification (germline): Pathogenic (1 of 4 stars; one submission).

Conditions:
LAMA2-related muscular dystrophy (LAMA2-RD). Also called: Laminin alpha 2-related dystrophy. Identifiers: MedGen C5679788, MONDO:0100228.

Submission:

Labcorp Genetics (formerly Invitae), Labcorp
Classification: Pathogenic for LAMA2-related muscular dystrophy. Last evaluated: 2023-12-30. Review status: criteria provided, single submitter. Criteria: Invitae Variant Classification Sherloc (09022015). Collection method: clinical testing. Allele origin: germline.
Comment: This sequence change creates a premature translational stop signal (p.Asp559Glufs*40) in the LAMA2 gene. It is expected to result in an absent or disrupted protein product. Loss-of-function variants in LAMA2 are known to be pathogenic (PMID: 18700894, 32904964). This variant is not present in population databases (gnomAD no frequency). This variant has not been reported in the literature in individuals affected with LAMA2-related conditions. For these reasons, this variant has been classified as Pathogenic.

Literature cited by the submitters: PubMed 18700894; PubMed 32904964.

NM_000426.4(LAMA2):c.1677del (p.Asp559fs)

Gene: LAMA2 (laminin subunit alpha 2; plus strand). Cytogenetic location: 6q22.33.
Variant type: Deletion.
Coding change: c.1677del on transcript NM_000426.4 (MANE Select); coding-DNA position 1677, one base deleted (C; older notation c.1677delC).
Protein change: p.Asp559fs; shifts the reading frame from aspartic acid 559.
Molecular consequence: frameshift variant.
Genome position (GRCh38, 1-based): chr6:129,192,748, C deleted. VCF-style (leftmost placement, unchanged base first): chr6-129192747-AC-A. GRCh37 (hg19) VCF-style: chr6-129513892-AC-A.
Other names: c.1677del, p.Asp559fs (NM_001079823.2); short protein forms D559fs.
Identifiers: ClinVar variation 2706349 (VCV002706349.3), dbSNP rs2482776429, ClinGen allele CA2697553726.
Genomic context (GRCh38, chr6:129,192,747, plus strand): 5'-ATATGAGTGGCTGGTATCTGACTGACCTTCCTGGCCGCATTCGAGTGGCTCCCCAGCAGG[AC>A]GACTTGGACTCACCTCAGCAGATCAGCATCAGTAACGCGGAGGCCCGGCAAGCCCTGCCG-3'